The following is an entry in ClinVar:

ClinVar aggregate classification (germline): Pathogenic (1 of 4 stars; one submission).

Conditions:
Piebaldism. Also called: Piebald skin depigmentation. Identifiers: Orphanet 2884, MedGen C0080024, MONDO:0008244, OMIM 172800, HP:0007544.

Submission:

3billion
Classification: Pathogenic for Piebaldism. Last evaluated: 2024-11-28. Review status: criteria provided, single submitter. Criteria: ACMG Guidelines, 2015. Collection method: clinical testing. Allele origin: germline. Affected: yes.
Comment: The variant is not observed in the gnomAD v4.1.0 dataset. Predicted Consequence/Location: Canonical splice site: predicted to alter splicing and result in a loss or disruption of normal protein function. Multiple pathogenic loss-of-function variants are reported downstream of the variant. The variant has been reported to be associated with KIT-related disorder (PMID: 17124503). Therefore, this variant is classified as Pathogenic according to the recommendation of ACMG/AMP guideline.

Literature cited by the submitters: PubMed 17124503.

NM_000222.3(KIT):c.1880-1G>A

Gene: KIT (KIT proto-oncogene, receptor tyrosine kinase; plus strand). Cytogenetic location: 4q12.
Variant type: single nucleotide variant.
Coding change: c.1880-1G>A on transcript NM_000222.3 (MANE Select); the canonical splice acceptor site of the intron before coding-DNA position 1880, G replaced by A.
Molecular consequence: splice acceptor variant.
Genome position (GRCh38, 1-based): chr4:54,728,010, G>A. VCF-style: chr4-54728010-G-A. GRCh37 (hg19) VCF-style: chr4-55594176-G-A.
Other names: c.1883-1G>A (NM_001385284.1, NM_001385290.1); c.1871-1G>A (NM_001385288.1, NM_001385292.1); c.1880-1G>A (NM_001385285.1); c.1868-1G>A (NM_001093772.2, NM_001385286.1).
Identifiers: ClinVar variation 4292892 (VCV004292892.1).